The following is an entry in ClinVar:

ClinVar aggregate classification (germline): Uncertain significance. Review status: criteria provided, multiple submitters, no conflicts (2 of 4 stars). 2 submissions from 2 submitters: Uncertain significance (2). Last evaluated 2025-12-03.

Conditions:
Dilated cardiomyopathy 1J (CMD1J). Also called: CARDIOMYOPATHY, DILATED, WITH SENSORINEURAL HEARING LOSS, AUTOSOMAL DOMINANT. Identifiers: Orphanet 217622, MedGen C1854368, MONDO:0011541, OMIM 605362.

Allele frequency attached by ClinVar (database versions not stated): ExAC 0.00002; gnomAD exomes 0.00002 and 0.00003; TOPMed 0.00002; gnomAD 0.00003 and 0.00004.
gnomAD v4.1: 46 of 1,613,964 alleles (0.0029%); highest among the groups gnomAD compares: African/African-American, 0.004%; no homozygotes.

Submissions (2):

Labcorp Genetics (formerly Invitae), Labcorp
Classification: Uncertain significance for Dilated cardiomyopathy 1J. Last evaluated: 2025-12-03. Review status: criteria provided, single submitter. Criteria: Invitae Variant Classification Sherloc (09022015). Collection method: clinical testing. Allele origin: germline.
Comment: This sequence change replaces alanine, which is neutral and non-polar, with glutamic acid, which is acidic and polar, at codon 460 of the EYA4 protein (p.Ala460Glu). This variant is present in population databases (rs766857002, gnomAD 0.006%). This missense change has been observed in individual(s) with congenital deafness (PMID: 34515852). ClinVar contains an entry for this variant (Variation ID: 643772). Invitae Evidence Modeling of protein sequence and biophysical properties (such as structural, functional, and spatial information, amino acid conservation, physicochemical variation, residue mobility, and thermodynamic stability) has been performed for this missense variant. However, the output from this modeling did not meet the statistical confidence thresholds required to predict the impact of this variant on EYA4 protein function. In summary, the available evidence is currently insufficient to determine the role of this variant in disease. Therefore, it has been classified as a Variant of Uncertain Significance.

GeneDx
Classification: Uncertain significance. Last evaluated: 2025-07-29. Review status: criteria provided, single submitter. Criteria: GeneDx Variant Classification Process June 2021. Collection method: clinical testing. Allele origin: germline. Affected: yes.
Comment: In silico analysis supports that this missense variant has a deleterious effect on protein structure/function; In silico analysis is inconclusive as to whether the variant alters gene splicing. In the absence of RNA/functional studies, the actual effect of this sequence change is unknown.; This variant is associated with the following publications: (PMID: 34515852)

Literature cited by the submitters: PubMed 34515852 (cited by Labcorp Genetics (formerly Invitae), Labcorp).

NM_004100.5(EYA4):c.1379C>A (p.Ala460Glu)

Genes: TARID (TCF21 antisense RNA inducing promoter demethylation; minus strand), EYA4 (EYA transcriptional coactivator and phosphatase 4; plus strand). Cytogenetic location: 6q23.2.
Variant type: single nucleotide variant.
Coding change: c.1379C>A on transcript NM_004100.5 (MANE Select); coding-DNA position 1379, C replaced by A.
Protein change: p.Ala460Glu; replaces alanine 460 with glutamic acid.
Molecular consequence: missense variant.
Genome position (GRCh38, 1-based): chr6:133,512,916, C>A. VCF-style: chr6-133512916-C-A. GRCh37 (hg19) VCF-style: chr6-133834054-C-A.
Other names: c.1217C>A, p.Ala406Glu (NM_001301012.2); c.1397C>A, p.Ala466Glu (NM_001301013.2); c.1310C>A, p.Ala437Glu (NM_001370458.1, NM_172103.4); c.1235C>A, p.Ala412Glu (NM_001370459.1); c.1379C>A, p.Ala460Glu (NM_172105.4); short protein forms A412E, A437E, A460E, A406E, A466E.
Identifiers: ClinVar variation 643772 (VCV000643772.12), dbSNP rs766857002, ClinGen allele CA4008355.